The following is an entry in ClinVar:

NM_000145.4(FSHR):c.413T>A (p.Val138Asp)

Gene: FSHR (follicle stimulating hormone receptor; minus strand). Cytogenetic location: 2p16.3.
Variant type: single nucleotide variant.
Coding change: c.413T>A on transcript NM_000145.4 (MANE Select); coding-DNA position 413, T replaced by A.
Protein change: p.Val138Asp; replaces valine 138 with aspartic acid.
Molecular consequence: missense variant.
Genome position (GRCh38, 1-based): chr2:48,990,599, A>T on the plus strand (T>A on the coding strand, the complement: FSHR is on the minus strand). VCF-style: chr2-48990599-A-T. GRCh37 (hg19) VCF-style: chr2-49217738-A-T.
Other names: c.413T>A, p.Val138Asp (NM_181446.3); short protein forms V138D.
Identifiers: ClinVar variation 4071914 (VCV004071914.1).

ClinVar aggregate classification (germline): Uncertain significance (1 of 4 stars; one submission).

Submission:

GeneDx
Classification: Uncertain significance. Last evaluated: 2025-01-27. Review status: criteria provided, single submitter. Criteria: GeneDx Variant Classification Process June 2021. Collection method: clinical testing. Allele origin: germline. Affected: yes.
Comment: Not observed at significant frequency in large population cohorts (gnomAD); In silico analysis supports that this missense variant has a deleterious effect on protein structure/function; Has not been previously published as pathogenic or benign to our knowledge